The following is an entry in ClinVar:

NM_001127453.2(GSDME):c.1183+17A>G

Gene: GSDME (gasdermin E; minus strand). Cytogenetic location: 7p15.3.
Variant type: single nucleotide variant.
Coding change: c.1183+17A>G on transcript NM_001127453.2 (MANE Select); 17 bases into the intron after coding-DNA position 1183, A replaced by G.
Molecular consequence: intron variant.
Genome position (GRCh38, 1-based): chr7:24,706,167, T>C on the plus strand (A>G on the coding strand, the complement: GSDME is on the minus strand). VCF-style: chr7-24706167-T-C. GRCh37 (hg19) VCF-style: chr7-24745786-T-C.
Other names: c.691+17A>G (NM_001127454.2); c.1183+17A>G (NM_004403.3).
Identifiers: ClinVar variation 673342 (VCV000673342.12), dbSNP rs73288039, ClinGen allele CA4191389.

ClinVar aggregate classification (germline): Benign/Likely benign. Review status: criteria provided, multiple submitters, no conflicts (2 of 4 stars). 4 submissions from 4 submitters: Benign (1); Likely benign (3). Last evaluated 2026-01-27.

Allele frequency attached by ClinVar (database versions not stated): gnomAD exomes 0.00047 and 0.00105; ExAC 0.00139; gnomAD 0.00394 and 0.00424; TOPMed 0.00421; ESP Exome Variant Server 0.00438; 1000 Genomes Project 0.00579; 1000 Genomes Project 30x 0.00671.
gnomAD v4.1: 1,318 of 1,614,122 alleles (0.082%); highest among the groups gnomAD compares: African/African-American, 1.4%; 7 homozygotes.

Submissions (7):

Labcorp Genetics (formerly Invitae), Labcorp
Classification: Benign. Last evaluated: 2026-01-27. Review status: criteria provided, single submitter. Criteria: Invitae Variant Classification Sherloc (09022015). Collection method: clinical testing. Allele origin: germline.

Blueprint Genetics
Classification: Likely benign. Last evaluated: 2024-11-27. Review status: criteria provided, single submitter. Criteria: ACMG Guidelines, 2015. Collection method: clinical testing. Allele origin: germline.

GeneDx
Classification: Likely benign. Last evaluated: 2018-06-16. Review status: criteria provided, single submitter. Criteria: GeneDx Variant Classification (06012015). Collection method: clinical testing. Allele origin: germline. Affected: yes.
Comment: This variant is considered likely benign or benign based on one or more of the following criteria: it is a conservative change, it occurs at a poorly conserved position in the protein, it is predicted to be benign by multiple in silico algorithms, and/or has population frequency not consistent with disease.

Breakthrough Genomics
Classification: Likely benign. Review status: criteria provided, single submitter. Criteria: ACMG Guidelines, 2015. Collection method: not provided. Allele origin: germline. Inheritance: Autosomal dominant inheritance. Affected: yes.

Dr. Peter K. Rogan Lab, Western University
No classification provided (evidence only). Condition: Uterine corpus endometrial carcinoma. Review status: no classification provided. Collection method: in vitro. Allele origin: not applicable. Functional consequence: retained intron. Not counted in ClinVar's aggregate classification.

Dr. Peter K. Rogan Lab, Western University
No classification provided (evidence only). Condition: Ovarian serous cystadenocarcinoma. Review status: no classification provided. Collection method: in vitro. Allele origin: not applicable. Functional consequence: retained intron. Not counted in ClinVar's aggregate classification.

Dr. Peter K. Rogan Lab, Western University
No classification provided (evidence only). Condition: Gastric cancer. Review status: no classification provided. Collection method: in vitro. Allele origin: not applicable. Functional consequence: retained intron. Not counted in ClinVar's aggregate classification.